The following is an entry in ClinVar:

NM_001371279.1(REEP1):c.*6A>G

Gene: REEP1 (receptor accessory protein 1; minus strand). Cytogenetic location: 2p11.2.
Variant type: single nucleotide variant.
Coding change: c.*6A>G on transcript NM_001371279.1 (MANE Select); 6 bases downstream of the stop codon, A replaced by G.
Molecular consequence: 3 prime UTR variant.
Genome position (GRCh38, 1-based): chr2:86,217,033, T>C on the plus strand (A>G on the coding strand, the complement: REEP1 is on the minus strand). VCF-style: chr2-86217033-T-C. GRCh37 (hg19) VCF-style: chr2-86444156-T-C.
Other names: c.*67A>G (NM_001164730.2, NM_001164731.2, NM_001410856.1 and 1 more transcripts); c.*6A>G (NM_001164732.2, NM_001371280.1, NM_001410855.1).
Identifiers: ClinVar variation 4682166 (VCV004682166.1).

ClinVar aggregate classification (germline): Uncertain significance (1 of 4 stars; one submission).

Submission:

Athena Diagnostics
Classification: Uncertain significance. Last evaluated: 2025-04-09. Review status: criteria provided, single submitter. Criteria: Athena Diagnostics Criteria. Collection method: clinical testing. Allele origin: unknown.
Comment: Available data are insufficient to determine the clinical significance of the variant at this time. This variant has not been reported in large, multi-ethnic general populations. Computational tools yielded predictions that this variant is unlikely to have an effect on normal RNA splicing.